The following is an entry in ClinVar:

ClinVar aggregate classification (germline): Uncertain significance (1 of 4 stars; one submission).

Conditions:
Cardiovascular phenotype. Identifiers: MedGen CN230736.

Submission:

Ambry Genetics
Classification: Uncertain significance for Cardiovascular phenotype. Last evaluated: 2026-04-12. Review status: criteria provided, single submitter. Criteria: Ambry Variant Classification Scheme 2023. Collection method: clinical testing. Allele origin: germline.
Comment: The p.L239F variant (also known as c.717G>C), located in coding exon 9 of the TMEM43 gene, results from a G to C substitution at nucleotide position 717. The leucine at codon 239 is replaced by phenylalanine, an amino acid with highly similar properties. This amino acid position is conserved. In addition, this alteration is predicted to be tolerated by in silico analysis. Based on the available evidence, the clinical significance of this variant remains unclear.

NM_024334.3(TMEM43):c.717G>C (p.Leu239Phe)

Gene: TMEM43 (transmembrane protein 43; plus strand). Cytogenetic location: 3p25.1.
Variant type: single nucleotide variant.
Coding change: c.717G>C on transcript NM_024334.3 (MANE Select); coding-DNA position 717, G replaced by C.
Protein change: p.Leu239Phe; replaces leucine 239 with phenylalanine.
Molecular consequence: missense variant. On other transcripts: intron variant (1).
Genome position (GRCh38, 1-based): chr3:14,135,169, G>C. VCF-style: chr3-14135169-G-C. GRCh37 (hg19) VCF-style: chr3-14176669-G-C.
Other names: c.720G>C, p.Leu240Phe (NM_001407274.1); c.717G>C, p.Leu239Phe (NM_001407275.1, NM_001407276.1, NM_001407277.1); c.702G>C, p.Leu234Phe (NM_001407278.1); c.567G>C, p.Leu189Phe (NM_001407280.1); c.705+278G>C (NM_001407279.1); short protein forms L189F, L234F, L239F, L240F.
Identifiers: ClinVar variation 4865749 (VCV004865749.1).